The following is an entry in ClinVar:

NM_020631.6(PLEKHG5):c.1179G>A (p.Leu393=)

Gene: PLEKHG5 (pleckstrin homology and RhoGEF domain containing G5; minus strand). Cytogenetic location: 1p36.31.
Variant type: single nucleotide variant.
Coding change: c.1179G>A on transcript NM_020631.6 (MANE Select); coding-DNA position 1179, G replaced by A.
Protein change: p.Leu393=; no amino-acid change (leucine 393 retained).
Molecular consequence: synonymous variant.
Genome position (GRCh38, 1-based): chr1:6,471,590, C>T on the plus strand (G>A on the coding strand, the complement: PLEKHG5 is on the minus strand). VCF-style: chr1-6471590-C-T. GRCh37 (hg19) VCF-style: chr1-6531650-C-T.
Other names: p.Leu393=; c.1290G>A, p.Leu430= (NM_001042663.3, NM_001265592.2); c.1179G>A, p.Leu393= (NM_001042664.2, NM_001042665.2, NM_001265594.3 and 1 more transcripts); c.1386G>A, p.Leu462= (NM_001265593.2); c.1179G>A (NM_020631.5).
Identifiers: ClinVar variation 297960 (VCV000297960.16), dbSNP rs112471131, ClinGen allele CA561608.

ClinVar aggregate classification (germline): Benign. Review status: criteria provided, multiple submitters, no conflicts (2 of 4 stars). 5 submissions from 5 submitters: Benign (5). Last evaluated 2026-02-04.

Conditions:
Neuronopathy, distal hereditary motor, autosomal recessive 4. Also called: Autosomal recessive lower motor neuron disease with childhood onset; NEUROPATHY, DISTAL HEREDITARY MOTOR, AUTOSOMAL RECESSIVE 4. Identifiers: Orphanet 206580, MedGen C1970211, MONDO:0012608, OMIM 611067.
Charcot-Marie-Tooth disease recessive intermediate C. Also called: CHARCOT-MARIE-TOOTH NEUROPATHY, RECESSIVE INTERMEDIATE C. Identifiers: Orphanet 369867, MedGen C3809309, MONDO:0014154, OMIM 615376.

Allele frequency attached by ClinVar (database versions not stated): 1000 Genomes Project 30x 0.04778; 1000 Genomes Project 0.04892; TOPMed 0.05084; ESP Exome Variant Server 0.05416; gnomAD 0.05506 and 0.05589; gnomAD exomes 0.05807 and 0.06670; ExAC 0.08305.
gnomAD v4.1: 104,604 of 1,597,546 alleles (6.5%); highest among the groups gnomAD compares: South Asian, 7.9%; 3,792 homozygotes.

Submissions (5):

Labcorp Genetics (formerly Invitae), Labcorp
Classification: Benign for Neuronopathy, distal hereditary motor, autosomal recessive 4; Charcot-Marie-Tooth disease recessive intermediate C. Last evaluated: 2026-02-04. Review status: criteria provided, single submitter. Criteria: Invitae Variant Classification Sherloc (09022015). Collection method: clinical testing. Allele origin: germline.

Illumina Laboratory Services, Illumina
Classification: Benign for Neuronopathy, distal hereditary motor, autosomal recessive 4. Last evaluated: 2018-01-12. Review status: criteria provided, single submitter. Criteria: ICSL Variant Classification Criteria 13 December 2019. Collection method: clinical testing. Allele origin: germline.
Comment: This variant was observed in the ICSL laboratory as part of a predisposition screen in an ostensibly healthy population. It had not been previously curated by ICSL or reported in the Human Gene Mutation Database (HGMD: prior to June 1st, 2018), and was therefore a candidate for classification through an automated scoring system. Utilizing variant allele frequency, disease prevalence and penetrance estimates, and inheritance mode, an automated score was calculated to assess if this variant is too frequent to cause the disease. Based on the score and internal cut-off values, a variant classified as benign is not then subjected to further curation. The score for this variant resulted in a classification of benign for this disease.

Mayo Clinic Laboratories, Mayo Clinic
Classification: Benign. Last evaluated: 2016-04-07. Review status: criteria provided, single submitter. Criteria: ACMG Guidelines, 2015. Collection method: clinical testing. Allele origin: germline. Observed: 297 variant alleles.

GeneDx
Classification: Benign. Last evaluated: 2015-03-03. Review status: criteria provided, single submitter. Criteria: GeneDx Variant Classification Process June 2021. Collection method: clinical testing. Allele origin: germline. Affected: yes.

Breakthrough Genomics
Classification: Benign. Review status: criteria provided, single submitter. Criteria: ACMG Guidelines, 2015. Collection method: not provided. Allele origin: germline. Inheritance: Autosomal recessive inheritance. Affected: yes.